The following is an entry in ClinVar:

ClinVar aggregate classification (germline): Benign/Likely benign. Review status: criteria provided, multiple submitters, no conflicts (2 of 4 stars). 5 submissions from 5 submitters: Benign (2); Likely benign (2). 1 of the submissions does not count toward it. Last evaluated 2025-11-06.

Conditions:
GNAI3-related disorder. Also called: GNAI3-related condition.

Allele frequency attached by ClinVar (database versions not stated): gnomAD 0.00131 and 0.00141; 1000 Genomes Project 30x 0.00156; TOPMed 0.00164; gnomAD exomes 0.00171 and 0.00227; ExAC 0.00178; ESP Exome Variant Server 0.00192; 1000 Genomes Project 0.00200.
gnomAD v4.1: 3,545 of 1,612,960 alleles (0.22%); highest among the groups gnomAD compares: Middle Eastern, 0.96%; 6 homozygotes.

Submissions (5):

Labcorp Genetics (formerly Invitae), Labcorp
Classification: Benign. Last evaluated: 2025-11-06. Review status: criteria provided, single submitter. Criteria: Invitae Variant Classification Sherloc (09022015). Collection method: clinical testing. Allele origin: germline.

Blueprint Genetics
Classification: Likely benign. Last evaluated: 2024-11-05. Review status: criteria provided, single submitter. Criteria: ACMG Guidelines, 2015. Collection method: clinical testing. Allele origin: germline.

CeGaT Center for Human Genetics Tuebingen
Classification: Likely benign. Last evaluated: 2023-03-01. Review status: criteria provided, single submitter. Criteria: CeGaT Center For Human Genetics Tuebingen Variant Classification Criteria Version 2. Collection method: clinical testing. Allele origin: germline. Affected: yes. Observed: 1 variant allele.
Comment: GNAI3: BP4, BS2

Breakthrough Genomics
Classification: Benign. Review status: criteria provided, single submitter. Criteria: ACMG Guidelines, 2015. Collection method: not provided. Allele origin: germline. Inheritance: Autosomal dominant inheritance. Affected: yes.

PreventionGenetics, part of Exact Sciences
Classification: Likely benign for GNAI3-related condition. Last evaluated: 2024-04-04. Review status: no assertion criteria provided. Collection method: clinical testing. Allele origin: germline. Not counted in ClinVar's aggregate classification.
Comment: This variant is classified as likely benign based on ACMG/AMP sequence variant interpretation guidelines (Richards et al. 2015 PMID: 25741868, with internal and published modifications).

NM_006496.4(GNAI3):c.987G>A (p.Thr329=)

Gene: GNAI3 (G protein subunit alpha i3; plus strand). Cytogenetic location: 1p13.3.
Variant type: single nucleotide variant.
Coding change: c.987G>A on transcript NM_006496.4 (MANE Select); coding-DNA position 987, G replaced by A.
Protein change: p.Thr329=; no amino-acid change (threonine 329 retained).
Molecular consequence: synonymous variant.
Genome position (GRCh38, 1-based): chr1:109,592,155, G>A. VCF-style: chr1-109592155-G-A. GRCh37 (hg19) VCF-style: chr1-110134777-G-A.
Identifiers: ClinVar variation 718422 (VCV000718422.34), dbSNP rs61758987, ClinGen allele CA992182.